The following is an entry in ClinVar:

NM_003924.4(PHOX2B):c.336G>C (p.Glu112Asp)

Gene: PHOX2B (paired like homeobox 2B; minus strand). Cytogenetic location: 4p13.
Variant type: single nucleotide variant.
Coding change: c.336G>C on transcript NM_003924.4 (MANE Select); coding-DNA position 336, G replaced by C.
Protein change: p.Glu112Asp; replaces glutamic acid 112 with aspartic acid.
Molecular consequence: missense variant.
Genome position (GRCh38, 1-based): chr4:41,747,442, C>G on the plus strand (G>C on the coding strand, the complement: PHOX2B is on the minus strand). VCF-style: chr4-41747442-C-G. GRCh37 (hg19) VCF-style: chr4-41749459-C-G.
Other names: short protein forms E112D.
Identifiers: ClinVar variation 3306272 (VCV003306272.1).

ClinVar aggregate classification (germline): Uncertain significance (1 of 4 stars; one submission).

Conditions:
Hereditary cancer-predisposing syndrome. Also called: Tumor predisposition; Hereditary Cancer Syndrome; Hereditary neoplastic syndrome; Neoplastic Syndromes, Hereditary. Identifiers: Orphanet 140162, MedGen C0027672, MeSH D009386, MONDO:0015356.

gnomAD v4.1: 1 of 1,611,528 alleles (0.000062%); highest among the groups gnomAD compares: Non-Finnish European, 0.000085%; no homozygotes.

Submission:

Ambry Genetics
Classification: Uncertain significance for Hereditary cancer-predisposing syndrome. Last evaluated: 2024-04-06. Review status: criteria provided, single submitter. Criteria: Ambry Variant Classification Scheme 2023. Collection method: clinical testing. Allele origin: germline.
Comment: The p.E112D variant (also known as c.336G>C), located in coding exon 2 of the PHOX2B gene, results from a G to C substitution at nucleotide position 336. The glutamic acid at codon 112 is replaced by aspartic acid, an amino acid with highly similar properties. This amino acid position is conserved. In addition, this alteration is predicted to be deleterious by in silico analysis. Based on the available evidence, the clinical significance of this variant remains unclear.